The following is an entry in ClinVar:

ClinVar aggregate classification (germline): Uncertain significance (1 of 4 stars; one submission).

Conditions:
Cowden syndrome 6 (CWS6). Identifiers: Orphanet 201, MedGen C3554519, MONDO:0014048, OMIM 615109.

Submission:

Labcorp Genetics (formerly Invitae), Labcorp
Classification: Uncertain significance for Cowden syndrome 6. Last evaluated: 2021-06-22. Review status: criteria provided, single submitter. Criteria: Invitae Variant Classification Sherloc (09022015). Collection method: clinical testing. Allele origin: germline.
Comment: This sequence change replaces glutamic acid with aspartic acid at codon 247 of the AKT1 protein (p.Glu247Asp). The glutamic acid residue is highly conserved and there is a small physicochemical difference between glutamic acid and aspartic acid. In summary, the available evidence is currently insufficient to determine the role of this variant in disease. Therefore, it has been classified as a Variant of Uncertain Significance. Algorithms developed to predict the effect of missense changes on protein structure and function (SIFT, PolyPhen-2, Align-GVGD) all suggest that this variant is likely to be disruptive, but these predictions have not been confirmed by published functional studies and their clinical significance is uncertain. This variant has not been reported in the literature in individuals with AKT1-related conditions. This variant is not present in population databases (ExAC no frequency).

NM_001382430.1(AKT1):c.741G>C (p.Glu247Asp)

Gene: AKT1 (AKT serine/threonine kinase 1; minus strand). Cytogenetic location: 14q32.33.
Variant type: single nucleotide variant.
Coding change: c.741G>C on transcript NM_001382430.1 (MANE Select); coding-DNA position 741, G replaced by C.
Protein change: p.Glu247Asp; replaces glutamic acid 247 with aspartic acid.
Molecular consequence: missense variant.
Genome position (GRCh38, 1-based): chr14:104,773,542, C>G on the plus strand (G>C on the coding strand, the complement: AKT1 is on the minus strand). VCF-style: chr14-104773542-C-G. GRCh37 (hg19) VCF-style: chr14-105239879-C-G.
Other names: c.741G>C, p.Glu247Asp (NM_001014431.2, NM_001014432.2, NM_001382431.1 and 3 more transcripts); short protein forms E247D.
Identifiers: ClinVar variation 1402246 (VCV001402246.8), dbSNP rs1229752019, ClinGen allele CA391218451.